The following is an entry in ClinVar:

NM_000051.4(ATM):c.7435G>T (p.Glu2479Ter)

Genes: ATM (ATM serine/threonine kinase; plus strand), C11orf65 (chromosome 11 open reading frame 65; minus strand). Cytogenetic location: 11q22.3.
Variant type: single nucleotide variant.
Coding change: c.7435G>T on transcript NM_000051.4 (MANE Select); coding-DNA position 7435, G replaced by T.
Protein change: p.Glu2479Ter; replaces glutamic acid 2479 with a stop codon.
Molecular consequence: nonsense. On other transcripts: intron variant (2).
Genome position (GRCh38, 1-based): chr11:108,330,341, G>T. VCF-style: chr11-108330341-G-T. GRCh37 (hg19) VCF-style: chr11-108201068-G-T.
Other names: c.7435G>T, p.Glu2479Ter (NM_001351834.2); c.641-21270C>A (NM_001330368.2); c.*38+4879C>A (NM_001351110.2); short protein forms E2479*.
Identifiers: ClinVar variation 4167327 (VCV004167327.1).

ClinVar aggregate classification (germline): Pathogenic. Review status: criteria provided, multiple submitters, no conflicts (2 of 4 stars). 2 submissions from 2 submitters: Pathogenic (2). Last evaluated 2025-07-28.

Conditions:
Ataxia-telangiectasia syndrome (AT). Also called: LOUIS-BAR SYNDROME; Cerebello-oculocutaneous telangiectasia; Immunodeficiency with ataxia telangiectasia; Ataxia-telangiectasia, complementation group D; AT, COMPLEMENTATION GROUP C; ATAXIA-TELANGIECTASIA, COMPLEMENTATION GROUP A. Identifiers: Orphanet 100, MedGen C0004135, MONDO:0008840, OMIM 208900.
Hereditary cancer-predisposing syndrome. Also called: Neoplastic Syndromes, Hereditary; Tumor predisposition; Hereditary neoplastic syndrome; Hereditary Cancer Syndrome. Identifiers: Orphanet 140162, MedGen C0027672, MeSH D009386, MONDO:0015356.

Submissions (2):

Ambry Genetics
Classification: Pathogenic for Hereditary cancer-predisposing syndrome. Last evaluated: 2025-07-28. Review status: criteria provided, single submitter. Criteria: Ambry Variant Classification Scheme 2023. Collection method: clinical testing. Allele origin: germline.
Comment: The p.E2479* pathogenic mutation (also known as c.7435G>T), located in coding exon 49 of the ATM gene, results from a G to T substitution at nucleotide position 7435. This changes the amino acid from a glutamic acid to a stop codon within coding exon 49. This variant is considered to be rare based on population cohorts in the Genome Aggregation Database (gnomAD). This alteration is expected to result in loss of function by premature protein truncation or nonsense-mediated mRNA decay. As such, this alteration is interpreted as a disease-causing mutation.

Labcorp Genetics (formerly Invitae), Labcorp
Classification: Pathogenic for Ataxia-telangiectasia syndrome. Last evaluated: 2025-05-12. Review status: criteria provided, single submitter. Criteria: Invitae Variant Classification Sherloc (09022015). Collection method: clinical testing. Allele origin: germline.
Comment: This sequence change creates a premature translational stop signal (p.Glu2479*) in the ATM gene. It is expected to result in an absent or disrupted protein product. Loss-of-function variants in ATM are known to be pathogenic (PMID: 23807571, 25614872). This variant is not present in population databases (gnomAD no frequency). This variant has not been reported in the literature in individuals affected with ATM-related conditions. RNA analysis performed to evaluate the impact of this premature translational stop signal on mRNA splicing indicates it does not significantly alter splicing (internal data). For these reasons, this variant has been classified as Pathogenic.

Literature cited by the submitters: PubMed 23807571 (cited by Labcorp Genetics (formerly Invitae), Labcorp); PubMed 25614872 (cited by Labcorp Genetics (formerly Invitae), Labcorp).